The following is an entry in ClinVar:

NC_000003.12:g.65132272_65133087del

Variant type: Deletion.
Genome position: GRCh38: chr3:65,132,272-65,133,087. GRCh37 (hg19): chr3:65,117,947-65,118,762.
Identifiers: ClinVar variation 156854 (VCV000156854.3), dbSNP rs1553673680, ClinGen allele CA212032.

ClinVar aggregate classification (germline): not provided (0 of 4 stars; one submission).

Conditions:
Normal pregnancy. Identifiers: MedGen C0232989.

Submission:

Institute of Molecular and Cell Biology, University of Tartu
No classification provided. Condition: Normal pregnancy. Review status: no classification provided. Collection method: case-control. Allele origin: unknown. Affected: yes. Study: Kasak2014.
Comment: The study aimed to determine the contribution of copy number variants in the genetic etiology of normal and complicated pregnancies. The samples represented (i) maternal blood DNA drawn from healthy pregnant women during 1st or 2nd trimester and (ii) maternal and paternal blood DNA drawn at term pregnancy cases representing normal and complicated gestations (severe preeclampsia, PE; gestational diabetes, GD; small-for-gestational age newborn, SGA; large-for-gestational age newborn, LGA). We performed CNV calling based on genome-wide genotyping dataset (Illumina HumanOmniExpress-24-v1 BeadChip) by applying three algorithms, QuantiSNP, GADA (Genome Alteration Detection Algorithm) and CNstream in parallel. The acquired CNV calls were merged with HD-CNV (Hotspot Detector for Copy Number Variants) program and only the CNVs predicted by at least two programs, were considered in subsequent analysis.

Literature cited by the submitters: PubMed 25666259.